The following is an entry in ClinVar:

NM_006231.4(POLE):c.800C>T (p.Pro267Leu)

Gene: POLE (DNA polymerase epsilon, catalytic subunit; minus strand). Cytogenetic location: 12q24.33.
Variant type: single nucleotide variant.
Coding change: c.800C>T on transcript NM_006231.4 (MANE Select); coding-DNA position 800, C replaced by T.
Protein change: p.Pro267Leu; replaces proline 267 with leucine.
Molecular consequence: missense variant.
Genome position (GRCh38, 1-based): chr12:132,677,364, G>A on the plus strand (C>T on the coding strand, the complement: POLE is on the minus strand). VCF-style: chr12-132677364-G-A. GRCh37 (hg19) VCF-style: chr12-133253950-G-A.
Other names: short protein forms P267L.
Identifiers: ClinVar variation 1174643 (VCV001174643.13), dbSNP rs2136018387, ClinGen allele CA387364403.

ClinVar aggregate classification (germline): Uncertain significance. Review status: criteria provided, multiple submitters, no conflicts (2 of 4 stars). 4 submissions from 4 submitters: Uncertain significance (2). 2 of the submissions do not count toward it. Last evaluated 2025-07-03.

Conditions:
Hereditary cancer-predisposing syndrome. Also called: Tumor predisposition; Hereditary neoplastic syndrome; Hereditary Cancer Syndrome; Neoplastic Syndromes, Hereditary. Identifiers: Orphanet 140162, MedGen C0027672, MeSH D009386, MONDO:0015356.

Allele frequency attached by ClinVar (database versions not stated): gnomAD exomes below 0.00001.

Submissions (4):

Ambry Genetics
Classification: Uncertain significance for Hereditary cancer-predisposing syndrome. Last evaluated: 2025-07-03. Review status: criteria provided, single submitter. Criteria: Ambry Variant Classification Scheme 2023. Collection method: clinical testing. Allele origin: germline.
Comment: The p.P267L variant (also known as c.800C>T), located in coding exon 8 of the POLE gene, results from a C to T substitution at nucleotide position 800. The proline at codon 267 is replaced by leucine, an amino acid with similar properties. This amino acid position is conserved. In addition, the in silico prediction for this alteration is inconclusive. Since supporting evidence is limited at this time, the clinical significance of this alteration remains unclear.

Labcorp Genetics (formerly Invitae), Labcorp
Classification: Uncertain significance. Last evaluated: 2022-09-09. Review status: criteria provided, single submitter. Criteria: Invitae Variant Classification Sherloc (09022015). Collection method: clinical testing. Allele origin: germline.
Comment: This sequence change replaces proline, which is neutral and non-polar, with leucine, which is neutral and non-polar, at codon 267 of the POLE protein (p.Pro267Leu). This variant is not present in population databases (gnomAD no frequency). This variant has not been reported in the literature in individuals affected with POLE-related conditions. ClinVar contains an entry for this variant (Variation ID: 1174643). Algorithms developed to predict the effect of missense changes on protein structure and function (SIFT, PolyPhen-2, Align-GVGD) all suggest that this variant is likely to be disruptive. In summary, the available evidence is currently insufficient to determine the role of this variant in disease. Therefore, it has been classified as a Variant of Uncertain Significance.

Diagnostic Laboratory, Department of Genetics, University Medical Center Groningen
Classification: Uncertain significance. Review status: no assertion criteria provided. Collection method: clinical testing. Allele origin: germline. Affected: yes. Study: VKGL Data-share Consensus. Not counted in ClinVar's aggregate classification.

Joint Genome Diagnostic Labs from Nijmegen and Maastricht, Radboudumc and MUMC+
Classification: Uncertain significance. Review status: no assertion criteria provided. Collection method: clinical testing. Allele origin: germline. Affected: yes. Study: VKGL Data-share Consensus. Not counted in ClinVar's aggregate classification.